The following is an entry in ClinVar:

ClinVar aggregate classification (germline): Likely benign. Review status: criteria provided, multiple submitters, no conflicts (2 of 4 stars). 7 submissions from 6 submitters: Likely benign (6). 1 of the submissions does not count toward it. Last evaluated 2025-09-02.

Conditions:
Seckel syndrome 1 (SCKL1). Also called: MICROCEPHALIC PRIMORDIAL DWARFISM I. Identifiers: Orphanet 808, MedGen C4551474, MONDO:0008869, OMIM 210600.
ATR-related disorder. Also called: ATR-related condition.
Inborn genetic diseases. Identifiers: MedGen C0950123, MeSH D030342.
Familial cutaneous telangiectasia and oropharyngeal predisposition cancer syndrome. Identifiers: Orphanet 313846, MedGen C3281203, MONDO:0013806, OMIM 614564.

Allele frequency attached by ClinVar (database versions not stated): gnomAD exomes below 0.00001; gnomAD 0.00001 and 0.00003.
gnomAD v4.1: 42 of 1,608,800 alleles (0.0026%); highest among the groups gnomAD compares: Middle Eastern, 0.68%; no homozygotes.

Submissions (7):

Labcorp Genetics (formerly Invitae), Labcorp
Classification: Likely benign. Last evaluated: 2025-09-02. Review status: criteria provided, single submitter. Criteria: Invitae Variant Classification Sherloc (09022015). Collection method: clinical testing. Allele origin: germline.

Blueprint Genetics
Classification: Likely benign. Last evaluated: 2023-12-22. Review status: criteria provided, single submitter. Criteria: ACMG Guidelines, 2015. Collection method: clinical testing. Allele origin: germline.

Genome-Nilou Lab
Classification: Likely benign for Seckel syndrome 1. Last evaluated: 2023-02-08. Review status: criteria provided, single submitter. Criteria: ACMG Guidelines, 2015. Collection method: clinical testing. Allele origin: germline.

Genome-Nilou Lab
Classification: Likely benign for Familial cutaneous telangiectasia and oropharyngeal predisposition cancer syndrome. Last evaluated: 2023-02-08. Review status: criteria provided, single submitter. Criteria: ACMG Guidelines, 2015. Collection method: clinical testing. Allele origin: germline.

Ambry Genetics
Classification: Likely benign for Inborn genetic diseases. Last evaluated: 2022-02-18. Review status: criteria provided, single submitter. Criteria: Ambry Variant Classification Scheme 2023. Collection method: clinical testing. Allele origin: germline.

GeneDx
Classification: Likely benign. Last evaluated: 2017-03-23. Review status: criteria provided, single submitter. Criteria: GeneDx Variant Classification (06012015). Collection method: clinical testing. Allele origin: germline. Affected: yes.
Comment: This variant is considered likely benign or benign based on one or more of the following criteria: it is a conservative change, it occurs at a poorly conserved position in the protein, it is predicted to be benign by multiple in silico algorithms, and/or has population frequency not consistent with disease.

PreventionGenetics, part of Exact Sciences
Classification: Likely benign for ATR-related condition. Last evaluated: 2019-07-29. Review status: no assertion criteria provided. Collection method: clinical testing. Allele origin: germline. Not counted in ClinVar's aggregate classification.
Comment: This variant is classified as likely benign based on ACMG/AMP sequence variant interpretation guidelines (Richards et al. 2015 PMID: 25741868, with internal and published modifications).

NM_001184.4(ATR):c.624T>A (p.Thr208=)

Gene: ATR (ATR checkpoint kinase; minus strand). Cytogenetic location: 3q23.
Variant type: single nucleotide variant.
Coding change: c.624T>A on transcript NM_001184.4 (MANE Select); coding-DNA position 624, T replaced by A.
Protein change: p.Thr208=; no amino-acid change (threonine 208 retained).
Molecular consequence: synonymous variant.
Genome position (GRCh38, 1-based): chr3:142,562,778, A>T on the plus strand (T>A on the coding strand, the complement: ATR is on the minus strand). VCF-style: chr3-142562778-A-T. GRCh37 (hg19) VCF-style: chr3-142281620-A-T.
Other names: c.624T>A, p.Thr208= (NM_001354579.2).
Identifiers: ClinVar variation 508358 (VCV000508358.14), dbSNP rs866939836, ClinGen allele CA84755820.
Genomic context (GRCh38, chr3:142,562,778, plus strand): 5'-TAAGAGTTCTTGCCTTCTAAAAAACACAATTGCAATAATACGAGTAAGAACCATTAATAA[A>T]GTGACTTCAATAAATTCTAAATTTTGCATACTCATCAACTGCAAAGGAGCTGATTGTAAA-3'
Protein context (NP_001175.2, residues 198-218): SMQNLEFIEV[Thr208=]LLMVLTRIIA